The following is an entry in ClinVar:

NM_020461.4(TUBGCP6):c.3090_3091del (p.Gly1032fs)

Gene: TUBGCP6 (tubulin gamma complex component 6; minus strand). Cytogenetic location: 22q13.33.
Variant type: Deletion.
Coding change: c.3090_3091del on transcript NM_020461.4 (MANE Select); coding-DNA positions 3090 to 3091, 2 bases deleted (AG; older notation c.3090_3091delAG).
Protein change: p.Gly1032fs; shifts the reading frame from glycine 1032.
Molecular consequence: frameshift variant.
Genome position (GRCh38, 1-based): chr22:50,221,268-50,221,269, CT deleted on the plus strand (AG on the coding strand, the reverse complement: TUBGCP6 is on the minus strand). VCF-style (leftmost placement, unchanged base first): chr22-50221267-CCT-C. GRCh37 (hg19) VCF-style: chr22-50659696-CCT-C.
Other names: short protein forms G1032fs.
Identifiers: ClinVar variation 1071616 (VCV001071616.9), dbSNP rs1491234697, ClinGen allele CA10308054.

ClinVar aggregate classification (germline): Pathogenic/Likely pathogenic. Review status: criteria provided, multiple submitters, no conflicts (2 of 4 stars). 2 submissions from 2 submitters: Pathogenic (1); Likely pathogenic (1). Last evaluated 2024-01-19.

Conditions:
TUBGCP6-related disorder. Also called: TUBGCP6-related condition.

Allele frequency attached by ClinVar (database versions not stated): ExAC 0.00002; gnomAD 0.00003; gnomAD exomes 0.00003 and 0.00005; TOPMed 0.00003.

Submissions (2):

Blueprint Genetics
Classification: Likely pathogenic for TUBGCP6-related disorders. Last evaluated: 2024-01-19. Review status: criteria provided, single submitter. Criteria: ACMG Guidelines, 2015. Collection method: clinical testing. Allele origin: germline. Affected: yes. Observed: 5 variant alleles.

Labcorp Genetics (formerly Invitae), Labcorp
Classification: Pathogenic. Last evaluated: 2022-12-30. Review status: criteria provided, single submitter. Criteria: Invitae Variant Classification Sherloc (09022015). Collection method: clinical testing. Allele origin: germline.
Comment: For these reasons, this variant has been classified as Pathogenic. ClinVar contains an entry for this variant (Variation ID: 1071616). This variant has not been reported in the literature in individuals affected with TUBGCP6-related conditions. This variant is present in population databases (rs796321813, gnomAD 0.007%). This sequence change creates a premature translational stop signal (p.Gly1032Trpfs*10) in the TUBGCP6 gene. It is expected to result in an absent or disrupted protein product. Loss-of-function variants in TUBGCP6 are known to be pathogenic (PMID: 25344692).

Literature cited by the submitters: PubMed 25344692 (cited by Labcorp Genetics (formerly Invitae), Labcorp).